The following is an entry in ClinVar:

ClinVar aggregate classification (germline): Uncertain significance. Review status: criteria provided, multiple submitters, no conflicts (2 of 4 stars). 2 submissions from 2 submitters: Uncertain significance (2). Last evaluated 2025-10-01.

Conditions:
Hereditary cancer-predisposing syndrome. Also called: Hereditary neoplastic syndrome; Neoplastic Syndromes, Hereditary; Tumor predisposition; Hereditary Cancer Syndrome. Identifiers: Orphanet 140162, MedGen C0027672, MeSH D009386, MONDO:0015356.
Tuberous sclerosis 1 (TSC1). Identifiers: Orphanet 805, MedGen C1854465, MONDO:0008612, OMIM 191100.

Submissions (2):

Ambry Genetics
Classification: Uncertain significance for Hereditary cancer-predisposing syndrome. Last evaluated: 2025-10-01. Review status: criteria provided, single submitter. Criteria: Ambry Variant Classification Scheme 2023. Collection method: clinical testing. Allele origin: germline.
Comment: The p.R22P variant (also known as c.65G>C), located in coding exon 1 of the TSC1 gene, results from a G to C substitution at nucleotide position 65. The arginine at codon 22 is replaced by proline, an amino acid with dissimilar properties. This amino acid position is conserved. In addition, this alteration is predicted to be tolerated by in silico analysis. Based on the available evidence, the clinical significance of this variant remains unclear.

Labcorp Genetics (formerly Invitae), Labcorp
Classification: Uncertain significance for Tuberous sclerosis 1. Last evaluated: 2017-03-01. Review status: criteria provided, single submitter. Criteria: Invitae Variant Classification Sherloc (09022015). Collection method: clinical testing. Allele origin: germline.
Comment: In summary, this variant is a novel missense change that is not predicted to affect protein function. There is no indication that it causes disease, but the available evidence is currently insufficient to prove that conclusively. Therefore, it has been classified as a Variant of Uncertain Significance. Algorithms developed to predict the effect of missense changes on protein structure and function (SIFT, PolyPhen-2, Align-GVGD) all suggest that this variant is likely to be tolerated, but these predictions have not been confirmed by published functional studies. This variant is not present in population databases (ExAC no frequency) and has not been reported in the literature in individuals with a TSC1-related disease. This sequence change replaces arginine with proline at codon 22 of the TSC1 protein (p.Arg22Pro). The arginine residue is weakly conserved and there is a moderate physicochemical difference between arginine and proline.

NM_000368.5(TSC1):c.65G>C (p.Arg22Pro)

Gene: TSC1 (TSC complex subunit 1; minus strand). Cytogenetic location: 9q34.13.
Variant type: single nucleotide variant.
Coding change: c.65G>C on transcript NM_000368.5 (MANE Select); coding-DNA position 65, G replaced by C.
Protein change: p.Arg22Pro; replaces arginine 22 with proline.
Molecular consequence: missense variant. On other transcripts: 5 prime UTR variant (1).
Genome position (GRCh38, 1-based): chr9:132,928,808, C>G on the plus strand (G>C on the coding strand, the complement: TSC1 is on the minus strand). VCF-style: chr9-132928808-C-G. GRCh37 (hg19) VCF-style: chr9-135804195-C-G.
Other names: c.65G>C, p.Arg22Pro (NM_001162426.2, NM_001162427.2); c.-195G>C (NM_001362177.2); short protein forms R22P.
Identifiers: ClinVar variation 466151 (VCV000466151.9), dbSNP rs141736779, ClinGen allele CA375375343.
Genomic context (GRCh38, chr9:132,928,808, plus strand): 5'-AGGATATTATTTTGCTAACCAGAATTGAGGTTCTCTTTAAAGACAGCTGTCACGTCGTCC[C>G]GCACACCCAGCATGGGGGAGTCCAGCATGGCAAGAAGCTCCCCGACATTTGCTTGTTGGG-3'
Protein context (NP_000359.1, residues 12-32): AMLDSPMLGV[Arg22Pro]DDVTAVFKEN